The following is an entry in ClinVar:

Conditions:
Breast-ovarian cancer, familial, susceptibility to, 1 (BROVCA1). Also called: BRCA1 Hereditary Breast and Ovarian Cancer; OVARIAN CANCER, SUSCEPTIBILITY TO. Identifiers: Orphanet 145, MedGen C2676676, MONDO:0011450, OMIM 604370. Disease mechanism: loss of function.

Submission:

Brotman Baty Institute, University of Washington
No classification provided (evidence only). Condition: Breast-ovarian cancer, familial 1. Review status: no classification provided. Collection method: in vitro. Allele origin: not applicable. Functional consequence: functionally_normal.
ClinVar note: "not provided" was previously submitted as the classification for the variant. However, the classification appeared to be based only on an observation of functional data so it was converted to no classification on 2025-07-30.

NM_007294.4(BRCA1):c.120C>A (p.Asp40Glu)

Gene: BRCA1 (BRCA1 DNA repair associated; minus strand). Cytogenetic location: 17q21.31.
Variant type: single nucleotide variant.
Coding change: c.120C>A on transcript NM_007294.4 (MANE Select); coding-DNA position 120, C replaced by A.
Protein change: p.Asp40Glu; replaces aspartic acid 40 with glutamic acid.
Molecular consequence: missense variant. On other transcripts: non-coding transcript variant (1), intron variant (1).
Genome position (GRCh38, 1-based): chr17:43,115,740, G>T on the plus strand (C>A on the coding strand, the complement: BRCA1 is on the minus strand). VCF-style: chr17-43115740-G-T. GRCh37 (hg19) VCF-style: chr17-41267757-G-T.
Other names: c.-69C>A (NM_001407571.1, NM_001407853.1, NM_001407879.1 and 52 more transcripts); c.120C>A, p.Asp40Glu (NM_001407581.1, NM_001407582.1, NM_001407583.1 and 192 more transcripts); c.-138C>A (NM_001407694.1, NM_001407696.1, NM_001407724.1 and 13 more transcripts); c.-142C>A (NM_001407695.1, NM_001408465.1); c.-22C>A (NM_001407697.1, NM_001407725.1, NM_001407728.1 and 47 more transcripts); c.-18C>A (NM_001407841.1); c.-185C>A (NM_001407889.1, NM_001407900.1, NM_001408492.1); c.-184C>A (NM_001407960.1, NM_001407962.1, NM_001408510.1 and 1 more transcripts); and 2 more; short protein forms D40E.
Identifiers: ClinVar variation 868159 (VCV000868159.3), dbSNP rs1060504580, ClinGen allele CA10601919.
Genomic context (GRCh38, chr17:43,115,740, plus strand): 5'-AAAAACAAAAGCTAATAATGGAGCCACATAACACATTCAAACTTACTTGCAAAATATGTG[G>T]TCACACTTTGTGGAGACAGGTTCCTTGATCAACTCCAGACTAGCAGGGTAGGGGGGGAGA-3'
Protein context (NP_009225.1, residues 30-50): LIKEPVSTKC[Asp40Glu]HIFCKFCMLK